The following is an entry in ClinVar:

ClinVar aggregate classification (germline): Uncertain significance (1 of 4 stars; one submission).

Submission:

GeneDx
Classification: Uncertain significance. Last evaluated: 2026-01-14. Review status: criteria provided, single submitter. Criteria: GeneDx Variant Classification Process June 2021. Collection method: clinical testing. Allele origin: germline. Affected: yes.
Comment: Not observed at significant frequency in large population cohorts (gnomAD); Has not been previously published as pathogenic or benign to our knowledge; Nonsense variant predicted to result in protein truncation or nonsense mediated decay in a gene or region of a gene for which loss of function is not a known mechanism of disease

NM_014754.3(PTDSS1):c.473G>A (p.Trp158Ter)

Gene: PTDSS1 (phosphatidylserine synthase 1; plus strand). Cytogenetic location: 8q22.1.
Variant type: single nucleotide variant.
Coding change: c.473G>A on transcript NM_014754.3 (MANE Select); coding-DNA position 473, G replaced by A.
Protein change: p.Trp158Ter; replaces tryptophan 158 with a stop codon.
Molecular consequence: nonsense.
Genome position (GRCh38, 1-based): chr8:96,295,129, G>A. VCF-style: chr8-96295129-G-A. GRCh37 (hg19) VCF-style: chr8-97307357-G-A.
Other names: c.35G>A, p.Trp12Ter (NM_001290225.2); short protein forms W12*, W158*.
Identifiers: ClinVar variation 2579498 (VCV002579498.2), dbSNP rs2488134347, ClinGen allele CA371754664.